The following is an entry in ClinVar:

NC_000016.9:g.(?_68721395)_(68732303_?)del

Gene: CDH3 (cadherin 3; plus strand). Cytogenetic location: 16q22.1.
Variant type: Deletion.
Identifiers: ClinVar variation 2424245 (VCV002424245.4).

ClinVar aggregate classification (germline): Uncertain significance (1 of 4 stars; one submission).

Submission:

Labcorp Genetics (formerly Invitae), Labcorp
Classification: Uncertain significance. Last evaluated: 2022-05-25. Review status: criteria provided, single submitter. Criteria: Invitae Variant Classification Sherloc (09022015). Collection method: clinical testing. Allele origin: germline.
Comment: In summary, the available evidence is currently insufficient to determine the role of this variant in disease. Therefore, it has been classified as a Variant of Uncertain Significance. This variant disrupts a region of the CDH3 protein in which other variant(s) (Deletion of Exons 12-13) have been observed in individuals with CDH3-related conditions (PMID: 23143461). This suggests that this is a clinically significant region of the protein, and that variants that disrupt it are likely to be disease-causing. This variant has not been reported in the literature in individuals affected with CDH3-related conditions. This variant is a gross deletion of the genomic region encompassing exon(s) 12-16 of the CDH3 gene, which includes the termination codon. This deletion extends beyond the assayed region for this gene and therefore may encompass additional genes. While this deletion is not anticipated to lead to nonsense mediated decay, it is expected to alter mRNA translation or result in a truncated protein product.

Literature cited by the submitters: PubMed 23143461.